The following is an entry in ClinVar:

NC_000018.10:g.(?_51065417)_(51067193_?)del

Gene: SMAD4 (SMAD family member 4; plus strand). Cytogenetic location: 18q21.2.
Variant type: Deletion.
Identifiers: ClinVar variation 460469 (VCV000460469.2).

ClinVar aggregate classification (germline): Pathogenic. Review status: criteria provided, single submitter (1 of 4 stars). 2 submissions from 1 submitter: Pathogenic (2). Last evaluated 2017-03-17.

Conditions:
Juvenile polyposis syndrome (JPS). Identifiers: Orphanet 2929, MedGen C0345893, MONDO:0017380, OMIM 174900.
Generalized juvenile polyposis/juvenile polyposis coli. Also called: Juvenile polyposis coli. Identifiers: Orphanet 329971, MedGen C1868081, MONDO:0008276.

Submissions (2):

Labcorp Genetics (formerly Invitae), Labcorp
Classification: Pathogenic for Juvenile polyposis syndrome. Last evaluated: 2017-03-17. Review status: criteria provided, single submitter. Criteria: Invitae Variant Classification Sherloc (09022015). Collection method: clinical testing. Allele origin: germline.
Comment: This variant is an out-of-frame deletion of the genomic region encompassing exons 9-10 of the SMAD4 gene. This creates a premature translational stop signal and is expected to result in an absent or disrupted protein product. While this particular variant has not been reported in the literature, loss-of-function variants in SMAD4 are known to be pathogenic (PMID: 17873119, 16152648). For these reasons, this variant has been classified as Pathogenic.

Labcorp Genetics (formerly Invitae), Labcorp
Classification: Pathogenic for Juvenile polyposis syndrome. Last evaluated: 2017-03-13. Review status: criteria provided, single submitter. Criteria: Invitae Variant Classification Sherloc (09022015). Collection method: clinical testing. Allele origin: germline.
Comment: the same text as in the submission from Labcorp Genetics (formerly Invitae), Labcorp above.

Literature cited by the submitters: PubMed 17873119; PubMed 16152648.